The following is an entry in ClinVar:

ClinVar aggregate classification (germline): Uncertain significance (1 of 4 stars; one submission).

Allele frequency attached by ClinVar (database versions not stated): gnomAD exomes below 0.00001.
gnomAD v4.1: 1 of 1,551,722 alleles (0.000064%); highest among the groups gnomAD compares: Middle Eastern, 0.017%; no homozygotes.

Submission:

Labcorp Genetics (formerly Invitae), Labcorp
Classification: Uncertain significance. Last evaluated: 2022-07-22. Review status: criteria provided, single submitter. Criteria: Invitae Variant Classification Sherloc (09022015). Collection method: clinical testing. Allele origin: germline.
Comment: Algorithms developed to predict the effect of missense changes on protein structure and function are either unavailable or do not agree on the potential impact of this missense change (SIFT: "Tolerated"; PolyPhen-2: "Possibly Damaging"; Align-GVGD: "Class C0"). In summary, the available evidence is currently insufficient to determine the role of this variant in disease. Therefore, it has been classified as a Variant of Uncertain Significance. This sequence change replaces asparagine, which is neutral and polar, with lysine, which is basic and polar, at codon 1698 of the TET2 protein (p.Asn1698Lys). This variant is not present in population databases (gnomAD no frequency). This variant has not been reported in the literature in individuals affected with TET2-related conditions.

NM_001127208.3(TET2):c.5094C>A (p.Asn1698Lys)

Genes: TET2 (tet methylcytosine dioxygenase 2; plus strand), TET2-AS1 (TET2 antisense RNA 1; minus strand). Cytogenetic location: 4q24.
Variant type: single nucleotide variant.
Coding change: c.5094C>A on transcript NM_001127208.3 (MANE Select); coding-DNA position 5094, C replaced by A.
Protein change: p.Asn1698Lys; replaces asparagine 1698 with lysine.
Molecular consequence: missense variant.
Genome position (GRCh38, 1-based): chr4:105,275,604, C>A. VCF-style: chr4-105275604-C-A. GRCh37 (hg19) VCF-style: chr4-106196761-C-A.
Other names: short protein forms N1698K.
Identifiers: ClinVar variation 2018895 (VCV002018895.4), dbSNP rs2110313824, ClinGen allele CA357814467.
Genomic context (GRCh38, chr4:105,275,604, plus strand): 5'-TTACCAGCCAAGGTTTGGAAATAGCCAGAGTTTTACATCTAAATACTTAGGTTATGGAAA[C>A]CAAAATATGCAGGGAGATGGTTTCAGCAGTTGTACCATTAGACCAAATGTACATCATGTA-3'
Protein context (NP_001120680.1, residues 1688-1708): SFTSKYLGYG[Asn1698Lys]QNMQGDGFSS